The following is an entry in ClinVar:

NM_006431.3(CCT2):c.1355A>G (p.Asp452Gly)

Gene: CCT2 (chaperonin containing TCP1 subunit 2; plus strand). Cytogenetic location: 12q15.
Variant type: single nucleotide variant.
Coding change: c.1355A>G on transcript NM_006431.3 (MANE Select); coding-DNA position 1355, A replaced by G.
Protein change: p.Asp452Gly; replaces aspartic acid 452 with glycine.
Molecular consequence: missense variant.
Genome position (GRCh38, 1-based): chr12:69,598,341, A>G. VCF-style: chr12-69598341-A-G. GRCh37 (hg19) VCF-style: chr12-69992121-A-G.
Other names: c.1214A>G, p.Asp405Gly (NM_001198842.2); short protein forms D405G, D452G.
Identifiers: ClinVar variation 2095450 (VCV002095450.4), dbSNP rs2499012427, ClinGen allele CA385731170.

ClinVar aggregate classification (germline): Uncertain significance (1 of 4 stars; one submission).

Submission:

Labcorp Genetics (formerly Invitae), Labcorp
Classification: Uncertain significance. Last evaluated: 2023-05-08. Review status: criteria provided, single submitter. Criteria: Invitae Variant Classification Sherloc (09022015). Collection method: clinical testing. Allele origin: germline.
Comment: ClinVar contains an entry for this variant (Variation ID: 2095450). This variant has not been reported in the literature in individuals affected with CCT2-related conditions. This variant is not present in population databases (gnomAD no frequency). This sequence change replaces aspartic acid, which is acidic and polar, with glycine, which is neutral and non-polar, at codon 452 of the CCT2 protein (p.Asp452Gly). In summary, the available evidence is currently insufficient to determine the role of this variant in disease. Therefore, it has been classified as a Variant of Uncertain Significance. An algorithm developed to predict the effect of missense changes on protein structure and function (PolyPhen-2) suggests that this variant is likely to be tolerated.